The following is an entry in ClinVar:

NM_000088.4(COL1A1):c.2070_2073dup (p.Gly692fs)

Gene: COL1A1 (collagen type I alpha 1 chain; minus strand). Cytogenetic location: 17q21.33.
Variant type: Duplication.
Coding change: c.2070_2073dup on transcript NM_000088.4 (MANE Select); coding-DNA positions 2070 to 2073, 4 bases duplicated (CCCT; older notation c.2070_2073dupCCCT).
Protein change: p.Gly692fs; shifts the reading frame from glycine 692.
Molecular consequence: frameshift variant.
Genome position (GRCh38, 1-based): chr17:50,191,842-50,191,845, AGGG duplicated on the plus strand (CCCT on the coding strand, the reverse complement: COL1A1 is on the minus strand). VCF-style (leftmost placement, unchanged base first): chr17-50191841-C-CAGGG. GRCh37 (hg19) VCF-style: chr17-48269202-C-CAGGG.
Other names: short protein forms G692fs.
Identifiers: ClinVar variation 3660087 (VCV003660087.2).

ClinVar aggregate classification (germline): Pathogenic (1 of 4 stars; one submission).

Conditions:
Osteogenesis imperfecta type I (OI1). Also called: Lobstein's Disease; Lobstein disease; Classic Non-deforming Osteogenesis Imperfecta with Blue Sclerae; OI, TYPE I; OSTEOGENESIS IMPERFECTA TARDA; OSTEOGENESIS IMPERFECTA WITH BLUE SCLERAE. Identifiers: Orphanet 216796, Orphanet 666, MedGen C0023931, MONDO:0008146, OMIM 166200. Disease mechanism: loss of function.

Submission:

Labcorp Genetics (formerly Invitae), Labcorp
Classification: Pathogenic for Osteogenesis imperfecta type I. Last evaluated: 2024-07-21. Review status: criteria provided, single submitter. Criteria: Invitae Variant Classification Sherloc (09022015). Collection method: clinical testing. Allele origin: germline.
Comment: This sequence change creates a premature translational stop signal (p.Gly692Profs*19) in the COL1A1 gene. It is expected to result in an absent or disrupted protein product. Loss-of-function variants in COL1A1 are known to be pathogenic (PMID: 7942841, 9295084, 9443882). This variant is not present in population databases (gnomAD no frequency). This variant has not been reported in the literature in individuals affected with COL1A1-related conditions. For these reasons, this variant has been classified as Pathogenic.

Literature cited by the submitters: PubMed 7942841; PubMed 9295084; PubMed 9443882.